The following is an entry in ClinVar:

ClinVar aggregate classification (germline): Conflicting classifications of pathogenicity. Review status: criteria provided, conflicting classifications (1 of 4 stars). 7 submissions from 7 submitters: Uncertain significance (1); Likely benign (4). 2 of the submissions do not count toward it. Last evaluated 2026-06-17.

Conditions:
Autosomal recessive limb-girdle muscular dystrophy type 2J (LGMDR10). Also called: Limb-girdle muscular dystrophy, type 2J; MUSCULAR DYSTROPHY, LIMB-GIRDLE, AUTOSOMAL RECESSIVE 10. Identifiers: Orphanet 140922, MedGen C1837342, MONDO:0012127, OMIM 608807.
Dilated cardiomyopathy 1G (CMD1G). Identifiers: Orphanet 154, MedGen C1858763, MONDO:0011400, OMIM 604145.
Cardiovascular phenotype. Identifiers: MedGen CN230736.
TTN-related disorder. Also called: TTN-related condition; TTN-related disease; TTN-related disorders.

Allele frequency attached by ClinVar (database versions not stated): gnomAD exomes 0.00005 and 0.00009; gnomAD 0.00009 and 0.00011; TOPMed 0.00009; ExAC 0.00010; ESP Exome Variant Server 0.00016.
gnomAD v4.1: 99 of 1,613,726 alleles (0.0061%); highest among the groups gnomAD compares: African/African-American, 0.033%; no homozygotes.

Submissions (7):

PreventionGenetics, part of Exact Sciences
Classification: Likely benign for TTN-related condition. Last evaluated: 2026-06-17. Review status: criteria provided, single submitter. Criteria: ACMG Guidelines, 2015. Collection method: clinical testing. Allele origin: germline.
Comment: This variant is classified as likely benign based on ACMG/AMP sequence variant interpretation guidelines (Richards et al. 2015 PMID: 25741868, with internal and published modifications).

Labcorp Genetics (formerly Invitae), Labcorp
Classification: Likely benign for Dilated cardiomyopathy 1G; Autosomal recessive limb-girdle muscular dystrophy type 2J. Last evaluated: 2025-11-25. Review status: criteria provided, single submitter. Criteria: Invitae Variant Classification Sherloc (09022015). Collection method: clinical testing. Allele origin: germline.

GeneDx
Classification: Likely benign. Last evaluated: 2020-04-13. Review status: criteria provided, single submitter. Criteria: GeneDx Variant Classification Process June 2021. Collection method: clinical testing. Allele origin: germline. Affected: yes.

Eurofins Ntd Llc (ga)
Classification: Uncertain significance. Last evaluated: 2017-04-25. Review status: criteria provided, single submitter. Criteria: EGL Classification Definitions 2015. Collection method: clinical testing. Allele origin: germline. Observed: 1 variant allele, 1 heterozygote.

Ambry Genetics
Classification: Likely benign for Cardiovascular phenotype. Last evaluated: 2016-07-31. Review status: criteria provided, single submitter. Criteria: Ambry Variant Classification Scheme 2023. Collection method: clinical testing. Allele origin: germline.

Clinical Genetics DNA and cytogenetics Diagnostics Lab, Erasmus MC, Erasmus Medical Center
Classification: Likely benign. Review status: no assertion criteria provided. Collection method: clinical testing. Allele origin: germline. Affected: yes. Study: VKGL Data-share Consensus. Not counted in ClinVar's aggregate classification.

Genome Diagnostics Laboratory, University Medical Center Utrecht
Classification: Likely benign. Review status: no assertion criteria provided. Collection method: clinical testing. Allele origin: germline. Affected: yes. Study: VKGL Data-share Consensus. Not counted in ClinVar's aggregate classification.

NM_001267550.2(TTN):c.93255G>A (p.Pro31085=)

Genes: TTN (titin; minus strand), TTN-AS1 (TTN antisense RNA 1; plus strand). Cytogenetic location: 2q31.2.
Variant type: single nucleotide variant.
Coding change: c.93255G>A on transcript NM_001267550.2 (MANE Select); coding-DNA position 93255, G replaced by A.
Protein change: p.Pro31085=; no amino-acid change (proline 31085 retained).
Molecular consequence: synonymous variant.
Genome position (GRCh38, 1-based): chr2:178,548,371, C>T on the plus strand (G>A on the coding strand, the complement: TTN is on the minus strand). VCF-style: chr2-178548371-C-T. GRCh37 (hg19) VCF-style: chr2-179413098-C-T.
Other names: c.88332G>A, p.Pro29444= (NM_001256850.1); c.66060G>A, p.Pro22020= (NM_003319.4); c.85551G>A, p.Pro28517= (NM_133378.4); c.66435G>A, p.Pro22145= (NM_133432.3); c.66636G>A, p.Pro22212= (NM_133437.4).
Identifiers: ClinVar variation 501487 (VCV000501487.24), dbSNP rs372611171, ClinGen allele CA1987331.